The following is an entry in ClinVar:

NM_001009944.3(PKD1):c.7324G>A (p.Glu2442Lys)

Gene: PKD1 (polycystin 1, transient receptor potential channel interacting; minus strand). Cytogenetic location: 16p13.3.
Variant type: single nucleotide variant.
Coding change: c.7324G>A on transcript NM_001009944.3 (MANE Select); coding-DNA position 7324, G replaced by A.
Protein change: p.Glu2442Lys; replaces glutamic acid 2442 with lysine.
Molecular consequence: missense variant.
Genome position (GRCh38, 1-based): chr16:2,106,563, C>T on the plus strand (G>A on the coding strand, the complement: PKD1 is on the minus strand). VCF-style: chr16-2106563-C-T. GRCh37 (hg19) VCF-style: chr16-2156564-C-T.
Other names: c.7324G>A, p.Glu2442Lys (NM_000296.4); short protein forms E2442K.
Identifiers: ClinVar variation 1805880 (VCV001805880.1), dbSNP rs1171052012, ClinGen allele CA394370225.

ClinVar aggregate classification (germline): Uncertain significance (1 of 4 stars; one submission).

Conditions:
Polycystic kidney disease, adult type (PKD1). Also called: Polycystic Kidney Disease 1, Autosomal Dominant; Polycystic kidney disease 1; Polycystic kidney disease 1, severe; Polycystic Kidney, Autosomal Dominant; POLYCYSTIC KIDNEY DISEASE 1 WITH OR WITHOUT POLYCYSTIC LIVER DISEASE; POLYCYSTIC KIDNEY DISEASE, ADULT, TYPE I. Identifiers: MedGen C3149841, MONDO:0008263, OMIM 173900.

Allele frequency attached by ClinVar (database versions not stated): gnomAD exomes below 0.00001; TOPMed below 0.00001.
gnomAD v4.1: 3 of 1,596,438 alleles (0.00019%); highest among the groups gnomAD compares: Non-Finnish European, 0.00025%; no homozygotes.

Submission:

Victorian Clinical Genetics Services, Murdoch Childrens Research Institute
Classification: Uncertain significance for Polycystic kidney disease, adult type. Last evaluated: 2020-05-25. Review status: criteria provided, single submitter. Criteria: ACMG Guidelines, 2015. Collection method: clinical testing. Allele origin: germline. Inheritance: Autosomal dominant inheritance. Affected: yes.
Comment: Based on the classification scheme VCGS_Germline_v1.1.1, this variant is classified as 3B-VUS. Following criteria are met: 0102 - Loss-of-function is a known mechanism of disease for this gene. (N) 0107 - This gene is known to be associated with autosomal dominant disease, although rare recessive cases have been reported (PMID: 20558538, 31079206). (N) 0112 - Variants in this gene are known to have reduced penetrance (PMID: 29326913). (N) 0200 - Variant is predicted to result in a missense amino acid change from glutamic acid to lysine (exon 18). (N) 0251 - Variant is heterozygous. (N) 0302 - Variant is present in gnomAD <0.001 for a dominant condition (2 heterozygotes, 0 homozygotes). (P) 0502 - Missense variant with conflicting in silico predictions and/or uninformative conservation. (N) 0600 - Variant is located in an annotated domain or motif. (REJ domain: PDB and PMID: 12482949) (N) 0708 - Comparable variant have conflicting previous evidence for pathogenicity. p.(Glu2442Gln) reported in a patient, harbouring a pathogenic PKD2 variant, classified as VUS and likely benign. (PMID: 22383692, PKDB) (N) 0807 - Variant has not previously been reported in a clinical context. (N) 0905 - No segregation evidence has been identified for this variant. (N) 1007 - No published functional evidence has been identified for this variant. (N) 1208 - Inheritance information for this variant is not currently available. (N) Legend: (P) - Pathogenic, (N) - Neutral, (B) - Benign

Literature cited by the submitters: PubMed 12482949; PubMed 20558538; PubMed 22383692; PubMed 29326913; PubMed 31079206.